The following is an entry in ClinVar:

ClinVar aggregate classification (germline): Pathogenic (1 of 4 stars; one submission).

Conditions:
Marfan syndrome (MFS). Also called: MARFAN SYNDROME, TYPE I; Marfan syndrome type 1; Marfan's syndrome; Marfan syndrome, classic; FBN1-Related Marfan Syndrome. Identifiers: Orphanet 284963, Orphanet 558, MedGen C0024796, MONDO:0007947, OMIM 154700.
Familial thoracic aortic aneurysm and aortic dissection (TAAD). Also called: Thoracic aortic aneurysms and dissections. Identifiers: Orphanet 91387, MedGen C4707243, MONDO:0019625.

Submission:

Labcorp Genetics (formerly Invitae), Labcorp
Classification: Pathogenic for Marfan syndrome; Familial thoracic aortic aneurysm and aortic dissection. Last evaluated: 2024-01-29. Review status: criteria provided, single submitter. Criteria: Invitae Variant Classification Sherloc (09022015). Collection method: clinical testing. Allele origin: germline.
Comment: This sequence change creates a premature translational stop signal (p.Cys628Leufs*86) in the FBN1 gene. It is expected to result in an absent or disrupted protein product. Loss-of-function variants in FBN1 are known to be pathogenic (PMID: 17657824, 19293843). This variant is not present in population databases (gnomAD no frequency). This variant has not been reported in the literature in individuals affected with FBN1-related conditions. For these reasons, this variant has been classified as Pathogenic.

Literature cited by the submitters: PubMed 17657824; PubMed 19293843.

NM_000138.5(FBN1):c.1883_1895del (p.Cys628fs)

Gene: FBN1 (fibrillin 1; minus strand). Cytogenetic location: 15q21.1.
Variant type: Deletion.
Coding change: c.1883_1895del on transcript NM_000138.5 (MANE Select); coding-DNA positions 1883 to 1895, 13 bases deleted (GCGTCAACACTGA).
Protein change: p.Cys628fs; shifts the reading frame from cysteine 628.
Molecular consequence: frameshift variant.
Genome position (GRCh38, 1-based): chr15:48,505,090-48,505,102, TCAGTGTTGACGC deleted on the plus strand (GCGTCAACACTGA on the coding strand, the reverse complement: FBN1 is on the minus strand). VCF-style (leftmost placement, unchanged base first): chr15-48505089-ATCAGTGTTGACGC-A. GRCh37 (hg19) VCF-style: chr15-48797286-ATCAGTGTTGACGC-A.
Other names: c.1883_1895del, p.Cys628fs (NM_001406716.1); short protein forms C628fs.
Identifiers: ClinVar variation 3753430 (VCV003753430.2).